The following is an entry in ClinVar:

NM_003922.4(HERC1):c.9637C>G (p.Leu3213Val)

Gene: HERC1 (HECT and RLD domain containing E3 ubiquitin protein ligase family member 1; minus strand). Cytogenetic location: 15q22.31.
Variant type: single nucleotide variant.
Coding change: c.9637C>G on transcript NM_003922.4 (MANE Select); coding-DNA position 9637, C replaced by G.
Protein change: p.Leu3213Val; replaces leucine 3213 with valine.
Molecular consequence: missense variant.
Genome position (GRCh38, 1-based): chr15:63,656,321, G>C on the plus strand (C>G on the coding strand, the complement: HERC1 is on the minus strand). VCF-style: chr15-63656321-G-C. GRCh37 (hg19) VCF-style: chr15-63948520-G-C.
Other names: short protein forms L3213V.
Identifiers: ClinVar variation 2596922 (VCV002596922.3), dbSNP rs368247878, ClinGen allele CA7604649.

ClinVar aggregate classification (germline): Uncertain significance. Review status: criteria provided, multiple submitters, no conflicts (2 of 4 stars). 2 submissions from 2 submitters: Uncertain significance (2). Last evaluated 2023-07-19.

Conditions:
Inborn genetic diseases. Identifiers: MedGen C0950123, MeSH D030342.

Allele frequency attached by ClinVar (database versions not stated): gnomAD exomes 0.00001; ExAC 0.00003; ESP Exome Variant Server 0.00008; gnomAD 0.00016.
gnomAD v4.1: 44 of 1,613,214 alleles (0.0027%); highest among the groups gnomAD compares: African/African-American, 0.053%; no homozygotes.

Submissions (2):

Ambry Genetics
Classification: Uncertain significance for Inborn genetic diseases. Last evaluated: 2023-07-19. Review status: criteria provided, single submitter. Criteria: Ambry Variant Classification Scheme 2023. Collection method: clinical testing. Allele origin: germline.

GeneDx
Classification: Uncertain significance. Last evaluated: 2023-06-12. Review status: criteria provided, single submitter. Criteria: GeneDx Variant Classification Process June 2021. Collection method: clinical testing. Allele origin: germline. Affected: yes.
Comment: In silico analysis supports that this missense variant does not alter protein structure/function; Has not been previously published as pathogenic or benign to our knowledge